The following is an entry in ClinVar:

NM_003803.4(MYOM1):c.4340C>T (p.Ala1447Val)

Gene: MYOM1 (myomesin 1; minus strand). Cytogenetic location: 18p11.31.
Variant type: single nucleotide variant.
Coding change: c.4340C>T on transcript NM_003803.4 (MANE Select); coding-DNA position 4340, C replaced by T.
Protein change: p.Ala1447Val; replaces alanine 1447 with valine.
Molecular consequence: missense variant.
Genome position (GRCh38, 1-based): chr18:3,084,027, G>A on the plus strand (C>T on the coding strand, the complement: MYOM1 is on the minus strand). VCF-style: chr18-3084027-G-A. GRCh37 (hg19) VCF-style: chr18-3084025-G-A.
Other names: c.4052C>T, p.Ala1351Val (NM_019856.2); short protein forms A1447V, A1351V.
Identifiers: ClinVar variation 1739859 (VCV001739859.3), dbSNP rs2510486647, ClinGen allele CA401710043.

ClinVar aggregate classification (germline): Uncertain significance. Review status: criteria provided, multiple submitters, no conflicts (2 of 4 stars). 2 submissions from 2 submitters: Uncertain significance (2). Last evaluated 2025-12-24.

Conditions:
Hypertrophic cardiomyopathy. Also called: HYPERTROPHIC MYOCARDIOPATHY. Identifiers: Orphanet 217569, MedGen C0007194, MeSH D002312, MONDO:0005045, HP:0001639.

Submissions (2):

Labcorp Genetics (formerly Invitae), Labcorp
Classification: Uncertain significance for Hypertrophic cardiomyopathy. Last evaluated: 2025-12-24. Review status: criteria provided, single submitter. Criteria: Invitae Variant Classification Sherloc (09022015). Collection method: clinical testing. Allele origin: germline.
Comment: This sequence change replaces alanine, which is neutral and non-polar, with valine, which is neutral and non-polar, at codon 1447 of the MYOM1 protein (p.Ala1447Val). This variant is not present in population databases (gnomAD no frequency). This variant has not been reported in the literature in individuals affected with MYOM1-related conditions. ClinVar contains an entry for this variant (Variation ID: 1739859). An algorithm developed to predict the effect of missense changes on protein structure and function (PolyPhen-2) suggests that this variant is likely to be tolerated. In summary, the available evidence is currently insufficient to determine the role of this variant in disease. Therefore, it has been classified as a Variant of Uncertain Significance.

Ambry Genetics
Classification: Uncertain significance. Last evaluated: 2021-09-26. Review status: criteria provided, single submitter. Criteria: Ambry Variant Classification Scheme 2023. Collection method: clinical testing. Allele origin: germline.
Comment: The p.A1447V variant (also known as c.4340C>T) is located in coding exon 31 of the MYOM1 gene. The alanine at codon 1447 is replaced by valine, an amino acid with similar properties. This change occurs in the first base pair of coding exon 31. This amino acid position is conserved. In addition, this alteration is predicted to be tolerated by in silico analysis. Since supporting evidence is limited at this time, the clinical significance of this alteration remains unclear.